The following is an entry in ClinVar:

NM_001205019.2(GK):c.606A>G (p.Ala202=)

Gene: GK (glycerol kinase; plus strand). Cytogenetic location: Xp21.2.
Variant type: single nucleotide variant.
Coding change: c.606A>G on transcript NM_001205019.2 (MANE Select); coding-DNA position 606, A replaced by G.
Protein change: p.Ala202=; no amino-acid change (alanine 202 retained).
Molecular consequence: synonymous variant. On other transcripts: non-coding transcript variant (7).
Genome position (GRCh38, 1-based): chrX:30,696,095, A>G. VCF-style: chrX-30696095-A-G. GRCh37 (hg19) VCF-style: chrX-30714212-A-G.
Other names: c.606A>G, p.Ala202= (NM_000167.6, NM_001128127.3, NM_203391.4); c.690A>G, p.Ala230= (NM_001399987.1, NM_001437590.1).
Identifiers: ClinVar variation 4538303 (VCV004538303.1).
Genomic context (GRCh38, chrX:30,696,095, plus strand): 5'-TGCCTAGAGTTTGACAGGAGGAGTCAATGGAGGTGTCCACTGTACAGATGTAACAAATGC[A>G]AGTAGGACTATGCTTTTCAACATTCATTCTTTGGAATGGGATAAACAACTCTGCGAGTAA-3'
Protein context (NP_001191948.1, residues 192-212): GGVHCTDVTN[Ala202=]SRTMLFNIHS

ClinVar aggregate classification (germline): Uncertain significance (1 of 4 stars; one submission).

Submission:

Greenwood Genetic Center Diagnostic Laboratories, Greenwood Genetic Center
Classification: Uncertain significance. Last evaluated: 2025-06-11. Review status: criteria provided, single submitter. Criteria: ACMG Guidelines, 2015. Collection method: clinical testing. Allele origin: germline. Affected: yes.
Comment: PM2